The following is an entry in ClinVar:

ClinVar aggregate classification (germline): Conflicting classifications of pathogenicity. Review status: criteria provided, conflicting classifications (1 of 4 stars). 2 submissions from 2 submitters: Uncertain significance (1); Likely benign (1). Last evaluated 2025-04-24.

Conditions:
Mitochondrial DNA depletion syndrome 13. Also called: FBXL4-Related Encephalomyopathic Mitochondrial DNA Depletion Syndrome; Mitochondrial DNA depletion syndrome 13 (encephalomyopathic type). Identifiers: Orphanet 369897, MedGen C3809592, MONDO:0014198, OMIM 615471.

Allele frequency attached by ClinVar (database versions not stated): TOPMed 0.00001; gnomAD 0.00002.
gnomAD v4.1: 10 of 1,613,898 alleles (0.00062%); highest among the groups gnomAD compares: African/African-American, 0.0013%; no homozygotes.

Submissions (2):

Labcorp Genetics (formerly Invitae), Labcorp
Classification: Likely benign. Last evaluated: 2025-04-24. Review status: criteria provided, single submitter. Criteria: Invitae Variant Classification Sherloc (09022015). Collection method: clinical testing. Allele origin: germline.

Wong Mito Lab, Molecular and Human Genetics, Baylor College of Medicine
Classification: Uncertain significance for Mitochondrial DNA depletion syndrome 13. Last evaluated: 2017-08-10. Review status: criteria provided, single submitter. Criteria: ACMG Guidelines, 2015. Collection method: reference population. Allele origin: germline.
Comment: The NM_012160.4:c.1056A>G (NP_036292.2:p.Leu352=) [GRCH38: NC_000006.12:g.98905473T>C] variant in FBXL4 gene is interpretated to be a Uncertain Significance - Conflicting Evidence based on ACMG guidelines (PMID: 25741868). This variant meets one or more of the following evidence codes reported in the ACMG-guideline. PM2:This variant is absent in key population databases. BP4:Computational evidence/predictors indicate no impact on the FBXL4 structure, function, or protein-protein interaction. BP7:The variant is silent with non predicted splice impact. Based on this evidence code ClinGen Pathogenicity Calculator (PMID:28081714) suggested that the variant is Uncertain Significance - Conflicting Evidence.

NM_001278716.2(FBXL4):c.1056A>G (p.Leu352=)

Gene: FBXL4 (F-box and leucine rich repeat protein 4; minus strand). Cytogenetic location: 6q16.2.
Variant type: single nucleotide variant.
Coding change: c.1056A>G on transcript NM_001278716.2 (MANE Select); coding-DNA position 1056, A replaced by G.
Protein change: p.Leu352=; no amino-acid change (leucine 352 retained).
Molecular consequence: synonymous variant. On other transcripts: non-coding transcript variant (2).
Genome position (GRCh38, 1-based): chr6:98,905,473, T>C on the plus strand (A>G on the coding strand, the complement: FBXL4 is on the minus strand). VCF-style: chr6-98905473-T-C. GRCh37 (hg19) VCF-style: chr6-99353349-T-C.
Other names: c.1056A>G, p.Leu352= (NM_012160.5).
Identifiers: ClinVar variation 437679 (VCV000437679.8), dbSNP rs779748858, ClinGen allele CA3933558.